The following is an entry in ClinVar:

ClinVar aggregate classification (germline): Uncertain significance. Review status: criteria provided, multiple submitters, no conflicts (2 of 4 stars). 2 submissions from 2 submitters: Uncertain significance (2). Last evaluated 2024-12-23.

Allele frequency attached by ClinVar (database versions not stated): ExAC 0.00001; TOPMed 0.00002; gnomAD 0.00003.
gnomAD v4.1: 32 of 1,585,258 alleles (0.002%); highest among the groups gnomAD compares: East Asian, 0.027%; no homozygotes.

Submissions (2):

Ambry Genetics
Classification: Uncertain significance. Last evaluated: 2024-12-23. Review status: criteria provided, single submitter. Criteria: Ambry Variant Classification Scheme 2023. Collection method: clinical testing. Allele origin: germline.

Labcorp Genetics (formerly Invitae), Labcorp
Classification: Uncertain significance. Last evaluated: 2023-12-01. Review status: criteria provided, single submitter. Criteria: Invitae Variant Classification Sherloc (09022015). Collection method: clinical testing. Allele origin: germline.
Comment: This sequence change replaces arginine, which is basic and polar, with glutamine, which is neutral and polar, at codon 103 of the GINS1 protein (p.Arg103Gln). This variant is present in population databases (rs757877116, gnomAD 0.006%). This variant has not been reported in the literature in individuals affected with GINS1-related conditions. Algorithms developed to predict the effect of missense changes on protein structure and function output the following: SIFT: "Not Available"; PolyPhen-2: "Benign"; Align-GVGD: "Not Available". The glutamine amino acid residue is found in multiple mammalian species, which suggests that this missense change does not adversely affect protein function. In summary, the available evidence is currently insufficient to determine the role of this variant in disease. Therefore, it has been classified as a Variant of Uncertain Significance.

NM_021067.5(GINS1):c.308G>A (p.Arg103Gln)

Gene: GINS1 (GINS complex subunit 1; plus strand). Cytogenetic location: 20p11.21.
Variant type: single nucleotide variant.
Coding change: c.308G>A on transcript NM_021067.5 (MANE Select); coding-DNA position 308, G replaced by A.
Protein change: p.Arg103Gln; replaces arginine 103 with glutamine.
Molecular consequence: missense variant. On other transcripts: non-coding transcript variant (1), intron variant (1).
Genome position (GRCh38, 1-based): chr20:25,418,173, G>A. VCF-style: chr20-25418173-G-A. GRCh37 (hg19) VCF-style: chr20-25398809-G-A.
Other names: c.308G>A, p.Arg103Gln (NM_001410830.1); c.76-7038G>A (NM_001410831.1); c.308G>A (NM_021067.3); short protein forms R103Q.
Identifiers: ClinVar variation 2859271 (VCV002859271.4), dbSNP rs757877116, ClinGen allele CA9796509.
Genomic context (GRCh38, chr20:25,418,173, plus strand): 5'-GCTTGCTTCGGATCAGAGCACTCAGATGGGAATATGGTAGCGTCTTGCCAAATGCATTAC[G>A]ATTTCACATGGCTGCTGAAGAAGTGAGTTAGCATTGTTCAAGTTTATAAATTTTGAAAAT-3'
Protein context (NP_066545.3, residues 93-113): EYGSVLPNAL[Arg103Gln]FHMAAEEMEW